The following is an entry in ClinVar:

NM_002458.3(MUC5B):c.7229A>G (p.Asn2410Ser)

Genes: MUC5B (mucin 5B, oligomeric mucus/gel-forming; plus strand), MUC5B-AS1 (MUC5B antisense RNA 1; minus strand). Cytogenetic location: 11p15.5.
Variant type: single nucleotide variant.
Coding change: c.7229A>G on transcript NM_002458.3 (MANE Select); coding-DNA position 7229, A replaced by G.
Protein change: p.Asn2410Ser; replaces asparagine 2410 with serine.
Molecular consequence: missense variant.
Genome position (GRCh38, 1-based): chr11:1,244,109, A>G. VCF-style: chr11-1244109-A-G. GRCh37 (hg19) VCF-style: chr11-1265339-A-G.
Other names: short protein forms N2410S.
Identifiers: ClinVar variation 4083991 (VCV004083991.8).
Genomic context (GRCh38, chr11:1,244,109, plus strand): 5'-GTGAGCAGGTGGGGAAGTTCAAGATGTGCTTCAACTATGAAATCCGTGTGTTCTGCTGCA[A>G]CTACGGCCACTGCCCCAGCACCCCGGCCACCAGCTCTACGGCCATGCCCTCCTCCACTCC-3'
Protein context (NP_002449.2, residues 2400-2420): FNYEIRVFCC[Asn2410Ser]YGHCPSTPAT

ClinVar aggregate classification (germline): Likely benign (1 of 4 stars; one submission).

gnomAD v4.1: 10,478 of 1,570,074 alleles (0.67%); highest among the groups gnomAD compares: Non-Finnish European, 0.59%; 1 homozygote.

Submission:

CeGaT Center for Human Genetics Tuebingen
Classification: Likely benign. Last evaluated: 2025-07-01. Review status: criteria provided, single submitter. Criteria: CeGaT Center For Human Genetics Tuebingen Variant Classification Criteria Version 2. Collection method: clinical testing. Allele origin: germline. Affected: yes. Observed: 1 variant allele.
Comment: MUC5B: BP4, BS1